The following is an entry in ClinVar:

ClinVar aggregate classification (germline): Uncertain significance (1 of 4 stars; one submission).

Conditions:
RYR1-related disorder. Also called: RYR1-related condition; RYR1-related disorders. Identifiers: MedGen CN239331.

Submission:

Labcorp Genetics (formerly Invitae), Labcorp
Classification: Uncertain significance for RYR1-related disorder. Last evaluated: 2025-12-22. Review status: criteria provided, single submitter. Criteria: Invitae Variant Classification Sherloc (09022015). Collection method: clinical testing. Allele origin: germline.
Comment: This sequence change replaces methionine, which is neutral and non-polar, with leucine, which is neutral and non-polar, at codon 201 of the RYR1 protein (p.Met201Leu). This variant is not present in population databases (gnomAD no frequency). This variant has not been reported in the literature in individuals affected with RYR1-related conditions. Invitae Evidence Modeling of protein sequence and biophysical properties (such as structural, functional, and spatial information, amino acid conservation, physicochemical variation, residue mobility, and thermodynamic stability) has been performed for this missense variant. However, the output from this modeling did not meet the statistical confidence thresholds required to predict the impact of this variant on RYR1 protein function. In summary, the available evidence is currently insufficient to determine the role of this variant in disease. Therefore, it has been classified as a Variant of Uncertain Significance.

NM_000540.3(RYR1):c.601A>C (p.Met201Leu)

Gene: RYR1 (ryanodine receptor 1; plus strand). Cytogenetic location: 19q13.2.
Variant type: single nucleotide variant.
Coding change: c.601A>C on transcript NM_000540.3 (MANE Select); coding-DNA position 601, A replaced by C.
Protein change: p.Met201Leu; replaces methionine 201 with leucine.
Molecular consequence: missense variant.
Genome position (GRCh38, 1-based): chr19:38,444,647, A>C. VCF-style: chr19-38444647-A-C. GRCh37 (hg19) VCF-style: chr19-38935287-A-C.
Other names: c.601A>C, p.Met201Leu (NM_001042723.2); short protein forms M201L.
Identifiers: ClinVar variation 4802112 (VCV004802112.1).
Genomic context (GRCh38, chr19:38,444,647, plus strand): 5'-CTGTCGACCGCCAGTGGGGAGCTCCAGGTTGACGCTTCCTTCATGCAGACACTATGGAAC[A>C]TGAACCCCATCTGCTCCCGCTGCGAAGAGGGTGAGGGCCCCAGACCTCCCCCTAAATGGA-3'
Protein context (NP_000531.2, residues 191-211): DASFMQTLWN[Met201Leu]NPICSRCEEG